The following is an entry in ClinVar:

ClinVar aggregate classification (germline): Likely benign (1 of 4 stars; one submission).

Allele frequency attached by ClinVar (database versions not stated): 1000 Genomes Project 0.00080; ESP Exome Variant Server 0.00087; 1000 Genomes Project 30x 0.00094; ExAC 0.00294.

Submission:

CeGaT Center for Human Genetics Tuebingen
Classification: Likely benign. Last evaluated: 2022-12-01. Review status: criteria provided, single submitter. Criteria: CeGaT Center For Human Genetics Tuebingen Variant Classification Criteria Version 2. Collection method: clinical testing. Allele origin: germline. Affected: yes. Observed: 1 variant allele.
Comment: SYT15: BS2

NM_001370184.1(SYT15B):c.734G>A (p.Gly245Asp)

Genes: ANXA8 (annexin A8; minus strand), SYT15B (synaptotagmin 15B; minus strand), LOC102724593 (uncharacterized LOC102724593; plus strand). Cytogenetic location: 10q11.22.
Variant type: single nucleotide variant.
Coding change: c.734G>A on transcript NM_001370184.1 (MANE Select); coding-DNA position 734, G replaced by A.
Protein change: p.Gly245Asp; replaces glycine 245 with aspartic acid.
Molecular consequence: missense variant.
Genome position (GRCh38, 1-based): chr10:47,758,009, C>T on the plus strand (G>A on the coding strand, the complement: SYT15B is on the minus strand). VCF-style: chr10-47758009-C-T. GRCh37 (hg19) VCF-style: chr10-46965803-C-T.
Other names: c.893G>A, p.Gly298Asp (NM_001370182.1); c.755G>A, p.Gly252Asp (NM_001370183.1); c.596G>A, p.Gly199Asp (NM_001370185.1); c.386G>A, p.Gly129Asp (NM_001370186.1); short protein forms G129D, G199D, G245D, G252D, G298D.
Identifiers: ClinVar variation 2640432 (VCV002640432.24), dbSNP rs1176680651, ClinGen allele CA376806854.